The following is an entry in ClinVar:

ClinVar aggregate classification (germline): Uncertain significance. Review status: criteria provided, single submitter (1 of 4 stars). 3 submissions from 3 submitters: Uncertain significance (1). 2 of the submissions do not count toward it. Last evaluated 2022-08-12.

Conditions:
VPS13B-related disorder. Also called: VPS13B-related condition.
Cohen syndrome (COH1). Also called: Cutis verticis gyrata, retinitis pigmentosa, and sensorineural deafness; PEPPER SYNDROME. Identifiers: Orphanet 193, MedGen C0265223, MONDO:0008999, OMIM 216550.

Submissions (3):

Labcorp Genetics (formerly Invitae), Labcorp
Classification: Uncertain significance for Cohen syndrome. Last evaluated: 2022-08-12. Review status: criteria provided, single submitter. Criteria: Invitae Variant Classification Sherloc (09022015). Collection method: clinical testing. Allele origin: germline.
Comment: This sequence change replaces aspartic acid, which is acidic and polar, with histidine, which is basic and polar, at codon 361 of the VPS13B protein (p.Asp361His). This variant is not present in population databases (gnomAD no frequency). This variant has not been reported in the literature in individuals affected with VPS13B-related conditions. ClinVar contains an entry for this variant (Variation ID: 965715). Algorithms developed to predict the effect of missense changes on protein structure and function are either unavailable or do not agree on the potential impact of this missense change (SIFT: "Not Available"; PolyPhen-2: "Probably Damaging"; Align-GVGD: "Not Available"). In summary, the available evidence is currently insufficient to determine the role of this variant in disease. Therefore, it has been classified as a Variant of Uncertain Significance.

Natera, Inc.
Classification: Uncertain significance for Cohen syndrome. Last evaluated: 2025-04-10. Review status: no assertion criteria provided. Collection method: clinical testing. Allele origin: germline. Not counted in ClinVar's aggregate classification.

PreventionGenetics, part of Exact Sciences
Classification: Uncertain significance for VPS13B-related condition. Last evaluated: 2024-06-04. Review status: no assertion criteria provided. Collection method: clinical testing. Allele origin: germline. Not counted in ClinVar's aggregate classification.
Comment: The VPS13B c.1081G>C variant is predicted to result in the amino acid substitution p.Asp361His. To our knowledge, this variant has not been reported in the literature or in a large population database, indicating this variant is rare. At this time, the clinical significance of this variant is uncertain due to the absence of conclusive functional and genetic evidence.

NM_152564.5(VPS13B):c.1081G>C (p.Asp361His)

Gene: VPS13B (vacuolar protein sorting 13 homolog B; plus strand). Cytogenetic location: 8q22.2.
Variant type: single nucleotide variant.
Coding change: c.1081G>C on transcript NM_152564.5 (MANE Select); coding-DNA position 1081, G replaced by C.
Protein change: p.Asp361His; replaces aspartic acid 361 with histidine.
Molecular consequence: missense variant. On other transcripts: non-coding transcript variant (1).
Genome position (GRCh38, 1-based): chr8:99,121,320, G>C. VCF-style: chr8-99121320-G-C. GRCh37 (hg19) VCF-style: chr8-100133548-G-C.
Other names: c.1081G>C, p.Asp361His (NM_015243.3, NM_017890.5, NM_181661.3); c.1081G>C (NM_152564.4); short protein forms D361H.
Identifiers: ClinVar variation 965715 (VCV000965715.8), dbSNP rs749019850, ClinGen allele CA371861077.